The following is an entry in ClinVar:

NM_004004.6(GJB2):c.221T>C (p.Ile74Thr)

Gene: GJB2 (gap junction protein beta 2; minus strand). Cytogenetic location: 13q12.11.
Variant type: single nucleotide variant.
Coding change: c.221T>C on transcript NM_004004.6 (MANE Select); coding-DNA position 221, T replaced by C.
Protein change: p.Ile74Thr; replaces isoleucine 74 with threonine.
Molecular consequence: missense variant.
Genome position (GRCh38, 1-based): chr13:20,189,361, A>G on the plus strand (T>C on the coding strand, the complement: GJB2 is on the minus strand). VCF-style: chr13-20189361-A-G. GRCh37 (hg19) VCF-style: chr13-20763500-A-G.
Other names: short protein forms I74T.
Identifiers: ClinVar variation 992241 (VCV000992241.1), dbSNP rs1959060919, ClinGen allele CA387461590.
Genomic context (GRCh38, chr13:20,189,361, plus strand): 5'-TGCATGGCCACTAGGAGCGCTGGCGTGGACACGAAGATCAGCTGCAGGGCCCATAGCCGG[A>G]TGTGGGAGATGGGGAAGTAGTGATCGTAGCACACGTTCTTGCAGCCTGGCTGCAGGGTGT-3'
Protein context (NP_003995.2, residues 64-84): CYDHYFPISH[Ile74Thr]RLWALQLIFV

ClinVar aggregate classification (germline): Uncertain significance (1 of 4 stars; one submission).

Submission:

Women's Health and Genetics/Laboratory Corporation of America, LabCorp
Classification: Uncertain significance. Last evaluated: 2020-12-07. Review status: criteria provided, single submitter. Criteria: LabCorp Variant Classification Summary - May 2015. Collection method: clinical testing. Allele origin: germline.
Comment: Variant summary: GJB2 c.221T>C (p.Ile74Thr) results in a non-conservative amino acid change in the encoded protein sequence. Five of five in-silico tools predict a damaging effect of the variant on protein function. The variant was absent in 251408 control chromosomes. The available data on variant occurrences in the general population are insufficient to allow any conclusion about variant significance. To our knowledge, no occurrence of c.221T>C in individuals affected with Non-Syndromic Hearing Loss and no experimental evidence demonstrating its impact on protein function have been reported. No clinical diagnostic laboratories have submitted clinical-significance assessments for this variant to ClinVar after 2014. Based on the evidence outlined above, the variant was classified as uncertain significance.